The following is an entry in ClinVar:

NM_004054.4(C3AR1):c.1167C>G (p.Cys389Trp)

Gene: C3AR1 (complement C3a receptor 1; minus strand). Cytogenetic location: 12p13.31.
Variant type: single nucleotide variant.
Coding change: c.1167C>G on transcript NM_004054.4 (MANE Select); coding-DNA position 1167, C replaced by G.
Protein change: p.Cys389Trp; replaces cysteine 389 with tryptophan.
Molecular consequence: missense variant.
Genome position (GRCh38, 1-based): chr12:8,059,019, G>C on the plus strand (C>G on the coding strand, the complement: C3AR1 is on the minus strand). VCF-style: chr12-8059019-G-C. GRCh37 (hg19) VCF-style: chr12-8211615-G-C.
Other names: c.1167C>G, p.Cys389Trp (NM_001326475.2, NM_001326477.2); short protein forms C389W.
Identifiers: ClinVar variation 2632033 (VCV002632033.1), dbSNP rs771691702, ClinGen allele CA383795907.

ClinVar aggregate classification (germline): Uncertain significance (1 of 4 stars; one submission).

Conditions:
C3AR1-related disorder. Also called: C3AR1-related condition.

Allele frequency attached by ClinVar (database versions not stated): gnomAD 0.00001; TOPMed 0.00002.
gnomAD v4.1: 12 of 1,614,082 alleles (0.00074%); highest among the groups gnomAD compares: African/African-American, 0.012%; no homozygotes.

Submission:

PreventionGenetics, part of Exact Sciences
Classification: Uncertain significance for C3AR1-related condition. Last evaluated: 2022-12-01. Review status: criteria provided, single submitter. Criteria: ACMG Guidelines, 2015. Collection method: clinical testing. Allele origin: germline.
Comment: The C3AR1 c.1167C>G variant is predicted to result in the amino acid substitution p.Cys389Trp. To our knowledge, this variant has not been reported in the literature. This variant is reported in 0.0062% of alleles in individuals of African descent in gnomAD. At this time, the clinical significance of this variant is uncertain due to the absence of conclusive functional and genetic evidence.